The following is an entry in ClinVar:

NM_015331.3(NCSTN):c.1576C>G (p.Leu526Val)

Gene: NCSTN (nicastrin; plus strand). Cytogenetic location: 1q23.2.
Variant type: single nucleotide variant.
Coding change: c.1576C>G on transcript NM_015331.3 (MANE Select); coding-DNA position 1576, C replaced by G.
Protein change: p.Leu526Val; replaces leucine 526 with valine.
Molecular consequence: missense variant.
Genome position (GRCh38, 1-based): chr1:160,356,284, C>G. VCF-style: chr1-160356284-C-G. GRCh37 (hg19) VCF-style: chr1-160326074-C-G.
Other names: c.1516C>G, p.Leu506Val (NM_001290184.2); c.1162C>G, p.Leu388Val (NM_001290186.2); c.1576C>G, p.Leu526Val (NM_001349729.2); short protein forms L526V, L388V, L506V.
Identifiers: ClinVar variation 2982878 (VCV002982878.3), dbSNP rs769753098, ClinGen allele CA343282451.
Genomic context (GRCh38, chr1:160,356,284, plus strand): 5'-TCACAGGGTTTTCTCTCTTTACTGTTCCAATCCTAGGTTACCCGCCTGCTCTATGGGTTC[C>G]TGATTAAAGCCAACAACTCATGGTTCCAGTCTATCCTCAGGCAGGACCTAAGGTCCTACT-3'
Protein context (NP_056146.1, residues 516-536): QTVTRLLYGF[Leu526Val]IKANNSWFQS

ClinVar aggregate classification (germline): Uncertain significance (1 of 4 stars; one submission).

Submission:

Labcorp Genetics (formerly Invitae), Labcorp
Classification: Uncertain significance. Last evaluated: 2022-12-14. Review status: criteria provided, single submitter. Criteria: Invitae Variant Classification Sherloc (09022015). Collection method: clinical testing. Allele origin: germline.
Comment: In summary, the available evidence is currently insufficient to determine the role of this variant in disease. Therefore, it has been classified as a Variant of Uncertain Significance. Advanced modeling of protein sequence and biophysical properties (such as structural, functional, and spatial information, amino acid conservation, physicochemical variation, residue mobility, and thermodynamic stability) performed at Invitae indicates that this missense variant is not expected to disrupt NCSTN protein function. This variant has not been reported in the literature in individuals affected with NCSTN-related conditions. This variant is not present in population databases (gnomAD no frequency). This sequence change replaces leucine, which is neutral and non-polar, with valine, which is neutral and non-polar, at codon 526 of the NCSTN protein (p.Leu526Val).